The following is an entry in ClinVar:

ClinVar aggregate classification (germline): Uncertain significance. Review status: criteria provided, multiple submitters, no conflicts (2 of 4 stars). 2 submissions from 2 submitters: Uncertain significance (2). Last evaluated 2024-06-13.

Conditions:
Hereditary cancer-predisposing syndrome. Also called: Hereditary Cancer Syndrome; Tumor predisposition; Neoplastic Syndromes, Hereditary; Hereditary neoplastic syndrome. Identifiers: Orphanet 140162, MedGen C0027672, MeSH D009386, MONDO:0015356.
Haddad syndrome (OHD). Also called: Ondine-Hirschsprung disease. Identifiers: Orphanet 99803, MedGen C1859049, MONDO:0020493.

Submissions (2):

Ambry Genetics
Classification: Uncertain significance for Hereditary cancer-predisposing syndrome. Last evaluated: 2024-06-13. Review status: criteria provided, single submitter. Criteria: Ambry Variant Classification Scheme 2023. Collection method: clinical testing. Allele origin: germline.
Comment: The c.641_642delGCinsAA variant (also known as p.G214E), located in coding exon 3 of the PHOX2B gene, results from an in-frame deletion of GC and insertion of AA at nucleotide positions 641 to 642. This results in the substitution of the glycine residue for a glutamic acid residue at codon 214, an amino acid with similar properties. This amino acid position is well conserved in available vertebrate species. In addition, this alteration is predicted to be neutral by in silico analysis (Choi Y et al. PLoS ONE. 2012; 7(10):e46688). Based on the available evidence, the clinical significance of this variant remains unclear.

Labcorp Genetics (formerly Invitae), Labcorp
Classification: Uncertain significance for Haddad syndrome. Last evaluated: 2020-02-29. Review status: criteria provided, single submitter. Criteria: Invitae Variant Classification Sherloc (09022015). Collection method: clinical testing. Allele origin: germline.
Comment: This sequence change replaces glycine with glutamic acid at codon 214 of the PHOX2B protein (p.Gly214Glu). The glycine residue is weakly conserved and there is a moderate physicochemical difference between glycine and glutamic acid. This variant is not present in population databases (ExAC no frequency). This variant has not been reported in the literature in individuals with PHOX2B-related conditions. Experimental studies and prediction algorithms are not available or were not evaluated, and the functional significance of this variant is currently unknown. In summary, the available evidence is currently insufficient to determine the role of this variant in disease. Therefore, it has been classified as a Variant of Uncertain Significance.

NM_003924.4(PHOX2B):c.641_642delinsAA (p.Gly214Glu)

Gene: PHOX2B (paired like homeobox 2B; minus strand). Cytogenetic location: 4p13.
Variant type: Indel.
Coding change: c.641_642delinsAA on transcript NM_003924.4 (MANE Select); coding-DNA positions 641 to 642, GC replaced by AA.
Protein change: p.Gly214Glu; replaces glycine 214 with glutamic acid.
Molecular consequence: missense variant.
Genome position (GRCh38, 1-based): chr4:41,746,110-41,746,111, GC replaced by TT on the plus strand (GC replaced by AA on the coding strand, the reverse complement: PHOX2B is on the minus strand). VCF-style: chr4-41746110-GC-TT. GRCh37 (hg19) VCF-style: chr4-41748127-GC-TT.
Other names: c.641_642delGCinsAA (NM_003924.3); short protein forms G214E.
Identifiers: ClinVar variation 1014448 (VCV001014448.8), dbSNP rs1733890028, ClinGen allele CA2497074310.